The following is an entry in ClinVar:

ClinVar aggregate classification (germline): Benign (0 of 4 stars; one submission).

Conditions:
RFX3-related disorder. Also called: RFX3-related condition.

Allele frequency attached by ClinVar (database versions not stated): gnomAD exomes 0.00703; ExAC 0.02277; gnomAD 0.06678; TOPMed 0.07486; ESP Exome Variant Server 0.07558; 1000 Genomes Project 0.08027; 1000 Genomes Project 30x 0.08214.
gnomAD v4.1: 20,950 of 1,613,454 alleles (1.3%); highest among the groups gnomAD compares: African/African-American, 23%; 2,020 homozygotes.

Submission:

PreventionGenetics, part of Exact Sciences
Classification: Benign for RFX3-related condition. Last evaluated: 2019-11-07. Review status: no assertion criteria provided. Collection method: clinical testing. Allele origin: germline.
Comment: This variant is classified as benign based on ACMG/AMP sequence variant interpretation guidelines (Richards et al. 2015 PMID: 25741868, with internal and published modifications).

NM_001282116.2(RFX3):c.1968+81G>A

Gene: RFX3 (regulatory factor X3; minus strand). Cytogenetic location: 9p24.2.
Variant type: single nucleotide variant.
Coding change: c.1968+81G>A on transcript NM_001282116.2 (MANE Select); 81 bases into the intron after coding-DNA position 1968, G replaced by A.
Molecular consequence: intron variant. On other transcripts: synonymous variant (1).
Genome position (GRCh38, 1-based): chr9:3,247,951, C>T on the plus strand (G>A on the coding strand, the complement: RFX3 is on the minus strand). VCF-style: chr9-3247951-C-T. GRCh37 (hg19) VCF-style: chr9-3247951-C-T.
Other names: c.2049G>A, p.Leu683= (NM_002919.4); c.1968+81G>A (NM_001377999.1, NM_134428.3).
Identifiers: ClinVar variation 3056824 (VCV003056824.2), dbSNP rs2229356, ClinGen allele CA4967004.